The following is an entry in ClinVar:

ClinVar aggregate classification (germline): Uncertain significance (1 of 4 stars; one submission).

Submission:

Labcorp Genetics (formerly Invitae), Labcorp
Classification: Uncertain significance. Last evaluated: 2024-03-19. Review status: criteria provided, single submitter. Criteria: Invitae Variant Classification Sherloc (09022015). Collection method: clinical testing. Allele origin: germline.
Comment: This variant, c.129_140dup, results in the insertion of 4 amino acid(s) of the PPP2R5D protein (p.Pro44_Gln47dup), but otherwise preserves the integrity of the reading frame. This variant is not present in population databases (gnomAD no frequency). This variant has not been reported in the literature in individuals affected with PPP2R5D-related conditions. Experimental studies and prediction algorithms are not available or were not evaluated, and the functional significance of this variant is currently unknown. In summary, the available evidence is currently insufficient to determine the role of this variant in disease. Therefore, it has been classified as a Variant of Uncertain Significance.

NM_006245.4(PPP2R5D):c.117GCCCCA[6] (p.38PQ[7])

Gene: PPP2R5D (protein phosphatase 2 regulatory subunit B'delta; plus strand). Cytogenetic location: 6p21.1.
Variant type: Microsatellite.
Coding change: c.117GCCCCA[6] on transcript NM_006245.4 (MANE Select); six copies in a row of the 6-base unit GCCCCA starting at c.117; the reference has four copies in a row; two copies, 12 bases duplicated.
Protein change: p.38PQ[7].
Molecular consequence: inframe insertion. On other transcripts: 5 prime UTR variant (1), intron variant (1).
Genome position (GRCh38, 1-based): chr6:43,006,486-43,006,497, GCCCCAGCCCCA duplicated; duplicating any 12 consecutive bases within chr6:43,006,472-43,006,497 gives the same sequence; the position shown is the placement nearest the transcript's 3' end. VCF-style (leftmost placement, unchanged base first): chr6-43006471-G-GCAGCCCCAGCCC. GRCh37 (hg19) VCF-style: chr6-42974209-G-GCAGCCCCAGCCC.
Other names: c.-337GCCCCA[6] (NM_001270476.2); c.117GCCCCA[6], p.38PQ[7] (NM_180976.3); c.28-462CAGCCC[6] (NM_180977.3).
Identifiers: ClinVar variation 1389339 (VCV001389339.5), ClinGen allele CA1088338075.